The following is an entry in ClinVar:

NM_002641.4(PIGA):c.672T>C (p.Asp224=)

Gene: PIGA (phosphatidylinositol glycan anchor biosynthesis class A; minus strand). Cytogenetic location: Xp22.2.
Variant type: single nucleotide variant.
Coding change: c.672T>C on transcript NM_002641.4 (MANE Select); coding-DNA position 672, T replaced by C.
Protein change: p.Asp224=; no amino-acid change (aspartic acid 224 retained).
Molecular consequence: synonymous variant. On other transcripts: intron variant (1).
Genome position (GRCh38, 1-based): chrX:15,331,259, A>G on the plus strand (T>C on the coding strand, the complement: PIGA is on the minus strand). VCF-style: chrX-15331259-A-G. GRCh37 (hg19) VCF-style: chrX-15349381-A-G.
Other names: c.13+4242T>C (NM_020473.3).
Identifiers: ClinVar variation 384071 (VCV000384071.1), dbSNP rs1057521845, ClinGen allele CA16609133.

ClinVar aggregate classification (germline): Likely benign (1 of 4 stars; one submission).

Submission:

GeneDx
Classification: Likely benign. Last evaluated: 2016-03-04. Review status: criteria provided, single submitter. Criteria: GeneDx Variant Classification (06012015). Collection method: clinical testing. Allele origin: germline. Affected: yes.
Comment: This variant is considered likely benign or benign based on one or more of the following criteria: it is a conservative change, it occurs at a poorly conserved position in the protein, it is predicted to be benign by multiple in silico algorithms, and/or has population frequency not consistent with disease.